The following is an entry in ClinVar:

NM_145262.4(GLYCTK):c.1053G>A (p.Leu351=)

Gene: GLYCTK (glycerate kinase; plus strand). Cytogenetic location: 3p21.2.
Variant type: single nucleotide variant.
Coding change: c.1053G>A on transcript NM_145262.4 (MANE Select); coding-DNA position 1053, G replaced by A.
Protein change: p.Leu351=; no amino-acid change (leucine 351 retained).
Molecular consequence: synonymous variant. On other transcripts: 3 prime UTR variant (1), non-coding transcript variant (2).
Genome position (GRCh38, 1-based): chr3:52,292,607, G>A. VCF-style: chr3-52292607-G-A. GRCh37 (hg19) VCF-style: chr3-52326623-G-A.
Other names: c.1053G>A (NM_145262.3); c.*172G>A (NM_001144951.2).
Identifiers: ClinVar variation 1596166 (VCV001596166.10), dbSNP rs149065444, ClinGen allele CA2432246.
Genomic context (GRCh38, chr3:52,292,607, plus strand): 5'-GGTGCTGAGTGCAGCCATGCAAGGTGATGTAAAAAGTATGGCCCAGTTCTACGGGCTGCT[G>A]GCCCATGTGGCTAGAACCCGCCTCACCCCATCCATGGCTGGGGCTTCTGTGGAGGAAGAT-3'
Protein context (NP_660305.2, residues 341-361): VKSMAQFYGL[Leu351=]AHVARTRLTP

ClinVar aggregate classification (germline): Likely benign. Review status: criteria provided, single submitter (1 of 4 stars). 2 submissions from 2 submitters: Likely benign (1). 1 of the submissions does not count toward it. Last evaluated 2025-06-13.

Conditions:
GLYCTK-related disorder. Also called: GLYCTK-related condition.

Allele frequency attached by ClinVar (database versions not stated): gnomAD exomes 0.00004 and 0.00012; 1000 Genomes Project 0.00020; 1000 Genomes Project 30x 0.00031; ExAC 0.00012; gnomAD 0.00037 and 0.00040; TOPMed 0.00037; ESP Exome Variant Server 0.00038.

Submissions (2):

Labcorp Genetics (formerly Invitae), Labcorp
Classification: Likely benign. Last evaluated: 2025-06-13. Review status: criteria provided, single submitter. Criteria: Invitae Variant Classification Sherloc (09022015). Collection method: clinical testing. Allele origin: germline.

PreventionGenetics, part of Exact Sciences
Classification: Likely benign for GLYCTK-related condition. Last evaluated: 2023-04-25. Review status: no assertion criteria provided. Collection method: clinical testing. Allele origin: germline. Not counted in ClinVar's aggregate classification.
Comment: This variant is classified as likely benign based on ACMG/AMP sequence variant interpretation guidelines (Richards et al. 2015 PMID: 25741868, with internal and published modifications).